The following is an entry in ClinVar:

ClinVar aggregate classification (germline): Uncertain significance (1 of 4 stars; one submission).

gnomAD v4.1: 1 of 1,610,796 alleles (0.000062%); highest among the groups gnomAD compares: Admixed American, 0.0017%; no homozygotes.

Submission:

GeneDx
Classification: Uncertain significance. Last evaluated: 2019-09-08. Review status: criteria provided, single submitter. Criteria: GeneDx Variant Classification Process June 2021. Collection method: clinical testing. Allele origin: germline. Affected: yes.
Comment: Not observed in large population cohorts (Lek et al., 2016); In silico analysis, which includes protein predictors and evolutionary conservation, supports a deleterious effect; Has not been previously published as pathogenic or benign to our knowledge

NM_014795.4(ZEB2):c.3352C>T (p.Pro1118Ser)

Gene: ZEB2 (zinc finger E-box binding homeobox 2; minus strand). Cytogenetic location: 2q22.3.
Variant type: single nucleotide variant.
Coding change: c.3352C>T on transcript NM_014795.4 (MANE Select); coding-DNA position 3352, C replaced by T.
Protein change: p.Pro1118Ser; replaces proline 1118 with serine.
Molecular consequence: missense variant.
Genome position (GRCh38, 1-based): chr2:144,389,744, G>A on the plus strand (C>T on the coding strand, the complement: ZEB2 is on the minus strand). VCF-style: chr2-144389744-G-A. GRCh37 (hg19) VCF-style: chr2-145147311-G-A.
Other names: c.3280C>T, p.Pro1094Ser (NM_001171653.2); short protein forms P1094S, P1118S.
Identifiers: ClinVar variation 1310643 (VCV001310643.2), dbSNP rs2149872541, ClinGen allele CA348699528.
Genomic context (GRCh38, chr2:144,389,744, plus strand): 5'-TCTCGCTCTCGCCATCCCTCGGCATACTCTCCCTCTCCTCCGAGTCAGAGTACCCCTGAG[G>A]GGTAATGCTCTGCAAGTAAGCCCGGTTCATCAGCAGCTCGGTGGGTTCCAAGTGCCCTTT-3'
Protein context (NP_055610.1, residues 1108-1128): MNRAYLQSIT[Pro1118Ser]QGYSDSEERE